The following is an entry in ClinVar:

NM_006269.2(RP1):c.1931G>C (p.Arg644Thr)

Gene: RP1 (RP1 axonemal microtubule associated; plus strand). Cytogenetic location: 8q12.1.
Variant type: single nucleotide variant.
Coding change: c.1931G>C on transcript NM_006269.2 (MANE Select); coding-DNA position 1931, G replaced by C.
Protein change: p.Arg644Thr; replaces arginine 644 with threonine.
Molecular consequence: missense variant. On other transcripts: intron variant (1).
Genome position (GRCh38, 1-based): chr8:54,625,813, G>C. VCF-style: chr8-54625813-G-C. GRCh37 (hg19) VCF-style: chr8-55538373-G-C.
Other names: c.787+3525G>C (NM_001375654.1); short protein forms R644T.
Identifiers: ClinVar variation 2703471 (VCV002703471.3), dbSNP rs2536572360, ClinGen allele CA370992362.

ClinVar aggregate classification (germline): Uncertain significance (1 of 4 stars; one submission).

Submission:

Labcorp Genetics (formerly Invitae), Labcorp
Classification: Uncertain significance. Last evaluated: 2023-06-09. Review status: criteria provided, single submitter. Criteria: Invitae Variant Classification Sherloc (09022015). Collection method: clinical testing. Allele origin: germline.
Comment: This sequence change replaces arginine, which is basic and polar, with threonine, which is neutral and polar, at codon 644 of the RP1 protein (p.Arg644Thr). This variant is not present in population databases (gnomAD no frequency). This variant has not been reported in the literature in individuals affected with RP1-related conditions. An algorithm developed to predict the effect of missense changes on protein structure and function (PolyPhen-2) suggests that this variant is likely to be tolerated. In summary, the available evidence is currently insufficient to determine the role of this variant in disease. Therefore, it has been classified as a Variant of Uncertain Significance.